The following is an entry in ClinVar:

ClinVar aggregate classification (germline): Uncertain significance (1 of 4 stars; one submission).

Conditions:
Cardiovascular phenotype. Identifiers: MedGen CN230736.

Submission:

Ambry Genetics
Classification: Uncertain significance for Cardiovascular phenotype. Last evaluated: 2024-09-11. Review status: criteria provided, single submitter. Criteria: Ambry Variant Classification Scheme 2023. Collection method: clinical testing. Allele origin: germline.
Comment: The p.Y158H variant (also known as c.472T>C), located in coding exon 1 of the GATA4 gene, results from a T to C substitution at nucleotide position 472. The tyrosine at codon 158 is replaced by histidine, an amino acid with similar properties. This amino acid position is conserved. In addition, the in silico prediction for this alteration is inconclusive. Based on the available evidence, the clinical significance of this variant remains unclear.

NM_001308093.3(GATA4):c.472T>C (p.Tyr158His)

Gene: GATA4 (GATA binding protein 4). Cytogenetic location: 8p23.1.
Variant type: single nucleotide variant.
Coding change: c.472T>C on transcript NM_001308093.3 (MANE Select); coding-DNA position 472, T replaced by C.
Protein change: p.Tyr158His; replaces tyrosine 158 with histidine.
Molecular consequence: missense variant. On other transcripts: intron variant (3).
Genome position (GRCh38, 1-based): chr8:11,708,784, T>C. VCF-style: chr8-11708784-T-C. GRCh37 (hg19) VCF-style: chr8-11566293-T-C.
Other names: c.472T>C, p.Tyr158His (NM_002052.5); c.-6+8006T>C (NM_001308094.2); c.-3+770T>C (NM_001374274.1); c.-3+4480T>C (NM_001374273.1); short protein forms Y158H.
Identifiers: ClinVar variation 3519020 (VCV003519020.1).
Genomic context (GRCh38, chr8:11,708,784, plus strand): 5'-GCGGCGGGTGCGGGCCTGGCGGGCCGCGAGCAGTACGGGCGCGCCGGCTTCGCGGGCTCC[T>C]ACTCCAGCCCCTACCCGGCTTACATGGCCGACGTGGGCGCGTCCTGGGCCGCAGCCGCCG-3'
Protein context (NP_001295022.1, residues 148-168): QYGRAGFAGS[Tyr158His]SSPYPAYMAD